The following is an entry in ClinVar:

ClinVar aggregate classification (germline): Likely benign (1 of 4 stars; one submission).

Allele frequency attached by ClinVar (database versions not stated): ExAC 0.00072; gnomAD 0.00410; 1000 Genomes Project 30x 0.00656.

Submission:

CeGaT Center for Human Genetics Tuebingen
Classification: Likely benign. Last evaluated: 2023-09-01. Review status: criteria provided, single submitter. Criteria: CeGaT Center For Human Genetics Tuebingen Variant Classification Criteria Version 2. Collection method: clinical testing. Allele origin: germline. Affected: yes. Observed: 1 variant allele.
Comment: OR2T8: PP2, BP4, BS2

NM_001005522.2(OR2T8):c.85G>C (p.Val29Leu)

Gene: OR2T8 (olfactory receptor family 2 subfamily T member 8; plus strand). Cytogenetic location: 1q44.
Variant type: single nucleotide variant.
Coding change: c.85G>C on transcript NM_001005522.2 (MANE Select); coding-DNA position 85, G replaced by C.
Protein change: p.Val29Leu; replaces valine 29 with leucine.
Molecular consequence: missense variant.
Genome position (GRCh38, 1-based): chr1:247,921,102, G>C. VCF-style: chr1-247921102-G-C. GRCh37 (hg19) VCF-style: chr1-248084404-G-C.
Other names: short protein forms V29L.
Identifiers: ClinVar variation 2640245 (VCV002640245.24), dbSNP rs138790336, ClinGen allele CA1498764.